The following is an entry in ClinVar:

NM_145290.4(ADGRA3):c.110C>T (p.Ala37Val)

Gene: ADGRA3 (adhesion G protein-coupled receptor A3; minus strand). Cytogenetic location: 4p15.2.
Variant type: single nucleotide variant.
Coding change: c.110C>T on transcript NM_145290.4 (MANE Select); coding-DNA position 110, C replaced by T.
Protein change: p.Ala37Val; replaces alanine 37 with valine.
Molecular consequence: missense variant.
Genome position (GRCh38, 1-based): chr4:22,515,675, G>A on the plus strand (C>T on the coding strand, the complement: ADGRA3 is on the minus strand). VCF-style: chr4-22515675-G-A. GRCh37 (hg19) VCF-style: chr4-22517298-G-A.
Other names: short protein forms A37V.
Identifiers: ClinVar variation 2979608 (VCV002979608.3), dbSNP rs777241546, ClinGen allele CA2874400.

ClinVar aggregate classification (germline): Uncertain significance (1 of 4 stars; one submission).

Allele frequency attached by ClinVar (database versions not stated): ExAC 0.00185.
gnomAD v4.1: 13 of 1,154,758 alleles (0.0011%); highest among the groups gnomAD compares: South Asian, 0.045%; no homozygotes.

Submission:

Labcorp Genetics (formerly Invitae), Labcorp
Classification: Uncertain significance. Last evaluated: 2024-01-22. Review status: criteria provided, single submitter. Criteria: Invitae Variant Classification Sherloc (09022015). Collection method: clinical testing. Allele origin: germline.
Comment: This sequence change replaces alanine, which is neutral and non-polar, with valine, which is neutral and non-polar, at codon 37 of the ADGRA3 protein (p.Ala37Val). This variant is present in population databases (rs777241546, gnomAD 0.7%). This variant has not been reported in the literature in individuals affected with ADGRA3-related conditions. Algorithms developed to predict the effect of missense changes on protein structure and function output the following: SIFT: "Not Available"; PolyPhen-2: "Not Available"; Align-GVGD: "Not Available". The valine amino acid residue is found in multiple mammalian species, which suggests that this missense change does not adversely affect protein function. In summary, the available evidence is currently insufficient to determine the role of this variant in disease. Therefore, it has been classified as a Variant of Uncertain Significance.